The following is an entry in ClinVar:

ClinVar aggregate classification (germline): Uncertain significance (1 of 4 stars; one submission).

Allele frequency attached by ClinVar (database versions not stated): gnomAD exomes below 0.00001.
gnomAD v4.1: 1 of 1,613,618 alleles (0.000062%); highest among the groups gnomAD compares: South Asian, 0.0011%; no homozygotes.

Submission:

Labcorp Genetics (formerly Invitae), Labcorp
Classification: Uncertain significance. Last evaluated: 2022-08-19. Review status: criteria provided, single submitter. Criteria: Invitae Variant Classification Sherloc (09022015). Collection method: clinical testing. Allele origin: germline.
Comment: In summary, the available evidence is currently insufficient to determine the role of this variant in disease. Therefore, it has been classified as a Variant of Uncertain Significance. Algorithms developed to predict the effect of missense changes on protein structure and function are either unavailable or do not agree on the potential impact of this missense change (SIFT: "Deleterious"; PolyPhen-2: "Probably Damaging"; Align-GVGD: "Class C0"). This variant has not been reported in the literature in individuals affected with NFKB1-related conditions. This variant is not present in population databases (gnomAD no frequency). This sequence change replaces aspartic acid, which is acidic and polar, with tyrosine, which is neutral and polar, at codon 787 of the NFKB1 protein (p.Asp787Tyr).

NM_003998.4(NFKB1):c.2359G>T (p.Asp787Tyr)

Gene: NFKB1 (nuclear factor kappa B subunit 1; plus strand). Cytogenetic location: 4q24.
Variant type: single nucleotide variant.
Coding change: c.2359G>T on transcript NM_003998.4 (MANE Select); coding-DNA position 2359, G replaced by T.
Protein change: p.Asp787Tyr; replaces aspartic acid 787 with tyrosine.
Molecular consequence: missense variant.
Genome position (GRCh38, 1-based): chr4:102,612,050, G>T. VCF-style: chr4-102612050-G-T. GRCh37 (hg19) VCF-style: chr4-103533207-G-T.
Other names: c.2356G>T, p.Asp786Tyr (NM_001165412.2, NM_001319226.2, NM_001382627.1); c.2359G>T, p.Asp787Tyr (NM_001382625.1, NM_001382626.1); c.2317G>T, p.Asp773Tyr (NM_001382628.1); short protein forms D786Y, D773Y, D787Y.
Identifiers: ClinVar variation 2112509 (VCV002112509.4), dbSNP rs2476581617, ClinGen allele CA357754351.